The following is an entry in ClinVar:

ClinVar aggregate classification (germline): Conflicting classifications of pathogenicity. Review status: criteria provided, conflicting classifications (1 of 4 stars). 2 submissions from 2 submitters: Likely pathogenic (1); Uncertain significance (1). Last evaluated 2026-07-21.

Conditions:
DYNC2H1-related disorder. Also called: DYNC2H1-related disorders; DYNC2H1-related condition. Identifiers: MedGen CN378770.
Asphyxiating thoracic dystrophy 3. Also called: POLYDACTYLY WITH NEONATAL CHONDRODYSTROPHY, TYPE I; SHORT-RIB THORACIC DYSPLASIA 3/6 WITH POLYDACTYLY, DIGENIC; Short rib polydactyly syndrome 2B; SHORT-RIB THORACIC DYSPLASIA 3 WITH OR WITHOUT POLYDACTYLY; Saldino-Noonan Syndrome. Identifiers: Orphanet 474, Orphanet 93269, Orphanet 93270, Orphanet 93271, MedGen C0036069, MONDO:0013127, OMIM 613091.

gnomAD v4.1: 10 of 1,612,186 alleles (0.00062%); highest among the groups gnomAD compares: South Asian, 0.0033%; no homozygotes.

Submissions (2):

Myriad Genetics, Inc.
Classification: Uncertain significance for Asphyxiating thoracic dystrophy 3. Last evaluated: 2026-07-21. Review status: criteria provided, single submitter. Criteria: Myriad Autosomal Dominant, Autosomal Recessive and X-Linked Classification Criteria (2023). Collection method: clinical testing. Allele origin: unknown.
Comment: NM_001377.2(DYNC2H1):c.6679A>G(M2227V) is a missense variant classified as a variant of uncertain significance in the context of DYNC2H1-related disorders. M2227V has been observed in cases with relevant disease (PMID: 23339108, 23456818). Relevant functional assessments of this variant are not available in the literature. M2227V has been observed in referenced population frequency databases. In summary, there is insufficient evidence to classify NM_001377.2(DYNC2H1):c.6679A>G(M2227V) as pathogenic or benign. Please note: this variant was assessed in the context of healthy population screening.

Blueprint Genetics
Classification: Likely pathogenic for DYNC2H1-related disorders. Last evaluated: 2024-11-11. Review status: criteria provided, single submitter. Criteria: ACMG Guidelines, 2015. Collection method: clinical testing. Allele origin: germline. Affected: yes. Observed: 5 variant alleles.

Literature cited by the submitters: PubMed 23339108 (cited by Myriad Genetics, Inc.); PubMed 23456818 (cited by Myriad Genetics, Inc.).

NM_001377.3(DYNC2H1):c.6679A>G (p.Met2227Val)

Gene: DYNC2H1 (dynein cytoplasmic 2 heavy chain 1; plus strand). Cytogenetic location: 11q22.3.
Variant type: single nucleotide variant.
Coding change: c.6679A>G on transcript NM_001377.3 (MANE Select); coding-DNA position 6679, A replaced by G.
Protein change: p.Met2227Val; replaces methionine 2227 with valine.
Molecular consequence: missense variant.
Genome position (GRCh38, 1-based): chr11:103,186,287, A>G. VCF-style: chr11-103186287-A-G. GRCh37 (hg19) VCF-style: chr11-103057016-A-G.
Other names: c.6679A>G, p.Met2227Val (NM_001080463.2); short protein forms M2227V.
Identifiers: ClinVar variation 4913743 (VCV004913743.2).